The following is an entry in ClinVar:

NM_016203.4(PRKAG2):c.740A>G (p.Glu247Gly)

Genes: PRKAG2 (protein kinase AMP-activated non-catalytic subunit gamma 2; minus strand), LOC129999660 (ATAC-STARR-seq lymphoblastoid silent region 18823; plus strand). Cytogenetic location: 7q36.1.
Variant type: single nucleotide variant.
Coding change: c.740A>G on transcript NM_016203.4 (MANE Select); coding-DNA position 740, A replaced by G.
Protein change: p.Glu247Gly; replaces glutamic acid 247 with glycine.
Molecular consequence: missense variant.
Genome position (GRCh38, 1-based): chr7:151,632,083, T>C on the plus strand (A>G on the coding strand, the complement: PRKAG2 is on the minus strand). VCF-style: chr7-151632083-T-C. GRCh37 (hg19) VCF-style: chr7-151329169-T-C.
Other names: c.608A>G, p.Glu203Gly (NM_001040633.2); c.368A>G, p.Glu123Gly (NM_001304527.2, NM_001363698.2); c.17A>G, p.Glu6Gly (NM_001304531.2, NM_024429.2); short protein forms E247G, E123G, E203G, E6G.
Identifiers: ClinVar variation 1039195 (VCV001039195.9), dbSNP rs1824644597, ClinGen allele CA370071182.

ClinVar aggregate classification (germline): Uncertain significance (1 of 4 stars; one submission).

Conditions:
Lethal congenital glycogen storage disease of heart. Also called: PHOSPHORYLASE KINASE DEFICIENCY OF HEART; GLYCOGEN STORAGE DISEASE OF HEART. Identifiers: Orphanet 439854, MedGen C1849813, MONDO:0009867, OMIM 261740.

Submission:

Labcorp Genetics (formerly Invitae), Labcorp
Classification: Uncertain significance for Lethal congenital glycogen storage disease of heart. Last evaluated: 2020-09-20. Review status: criteria provided, single submitter. Criteria: Invitae Variant Classification Sherloc (09022015). Collection method: clinical testing. Allele origin: germline.
Comment: Advanced modeling of protein sequence and biophysical properties (such as structural, functional, and spatial information, amino acid conservation, physicochemical variation, residue mobility, and thermodynamic stability) performed at Invitae indicates that this missense variant is not expected to disrupt PRKAG2 protein function. In summary, the available evidence is currently insufficient to determine the role of this variant in disease. Therefore, it has been classified as a Variant of Uncertain Significance. This variant has not been reported in the literature in individuals with PRKAG2-related conditions. This variant is not present in population databases (ExAC no frequency). This sequence change replaces glutamic acid with glycine at codon 247 of the PRKAG2 protein (p.Glu247Gly). The glutamic acid residue is moderately conserved and there is a moderate physicochemical difference between glutamic acid and glycine.